The following is an entry in ClinVar:

ClinVar aggregate classification (germline): Uncertain significance (1 of 4 stars; one submission).

Conditions:
Cardiomyopathy (CMYO). Also called: Cardiomyopathies. Identifiers: Orphanet 167848, MedGen C0878544, MONDO:0004994, HP:0001638. Inheritance: Various modes of inheritance.

Allele frequency attached by ClinVar (database versions not stated): gnomAD exomes below 0.00001.

Submission:

Color Diagnostics, LLC DBA Color Health
Classification: Uncertain significance for Cardiomyopathy. Last evaluated: 2022-11-06. Review status: criteria provided, single submitter. Criteria: ACMG Guidelines, 2015. Collection method: clinical testing. Allele origin: germline.
Comment: This missense variant replaces aspartic acid with alanine at codon 817 of the DSP protein. Computational prediction is inconclusive regarding the impact of this variant on protein structure and function (internally defined REVEL score threshold 0.5 < inconclusive < 0.7, PMID: 27666373). To our knowledge, functional studies have not been reported for this variant. This variant has not been reported in individuals affected with DSP-related disorders in the literature. This variant has not been identified in the general population by the Genome Aggregation Database (gnomAD). The available evidence is insufficient to determine the role of this variant in disease conclusively. Therefore, this variant is classified as a Variant of Uncertain Significance.

NM_004415.4(DSP):c.2450A>C (p.Asp817Ala)

Gene: DSP (desmoplakin; plus strand). Cytogenetic location: 6p24.3.
Variant type: single nucleotide variant.
Coding change: c.2450A>C on transcript NM_004415.4 (MANE Select); coding-DNA position 2450, A replaced by C.
Protein change: p.Asp817Ala; replaces aspartic acid 817 with alanine.
Molecular consequence: missense variant.
Genome position (GRCh38, 1-based): chr6:7,575,308, A>C. VCF-style: chr6-7575308-A-C. GRCh37 (hg19) VCF-style: chr6-7575541-A-C.
Other names: c.2450A>C, p.Asp817Ala (NM_001008844.3, NM_001319034.2); short protein forms D817A.
Identifiers: ClinVar variation 2775286 (VCV002775286.2), dbSNP rs533471835, ClinGen allele CA362681361.